The following is an entry in ClinVar:

ClinVar aggregate classification (germline): Likely pathogenic (1 of 4 stars; one submission).

Conditions:
Peroxisome biogenesis disorder 4A (Zellweger) (PBD4A). Also called: Zellweger syndrome spectrum (PEX6-related). Identifiers: Orphanet 912, MedGen C3553936, MONDO:0013930, OMIM 614862. Disease mechanism: loss of function.

Submission:

Myriad Genetics, Inc.
Classification: Likely pathogenic for Peroxisome biogenesis disorder 4A (Zellweger). Last evaluated: 2022-03-14. Review status: criteria provided, single submitter. Criteria: Myriad Women's Health Autosomal Recessive and X-Linked Classification Criteria (2021). Collection method: clinical testing. Allele origin: unknown.
Comment: NM_000287.3(PEX6):c.1640_1641delTG(V547Dfs*11) is expected to be pathogenic in the context of peroxisome biogenesis disorder type 4. This variant is predicted to lead to an abnormal or absent protein product due to the creation of a premature termination codon in PEX6, a gene where loss-of-function variants are known to be pathogenic. Please note: this variant was assessed in the context of healthy population screening.

NM_000287.4(PEX6):c.1640_1641del (p.Val547fs)

Gene: PEX6 (peroxisomal biogenesis factor 6; minus strand). Cytogenetic location: 6p21.1.
Variant type: Microsatellite.
Coding change: c.1640_1641del on transcript NM_000287.4 (MANE Select); coding-DNA positions 1640 to 1641, 2 bases deleted (TG; older notation c.1640_1641delTG).
Protein change: p.Val547fs; shifts the reading frame from valine 547.
Molecular consequence: frameshift variant. On other transcripts: non-coding transcript variant (1).
Genome position (GRCh38, 1-based): chr6:42,968,337-42,968,338, CA deleted on the plus strand (TG on the coding strand, the reverse complement: PEX6 is on the minus strand); deleting any 2 consecutive bases within chr6:42,968,337-42,968,341 gives the same sequence; the c. name uses the placement nearest the transcript's 3' end. VCF-style (leftmost placement, unchanged base first): chr6-42968336-TCA-T. GRCh37 (hg19) VCF-style: chr6-42936074-TCA-T.
Other names: c.1376_1377del, p.Val459fs (NM_001316313.2); short protein forms V459fs, V547fs.
Identifiers: ClinVar variation 1725211 (VCV001725211.2), dbSNP rs2481224131, ClinGen allele CA2580614880.